The following is an entry in ClinVar:

ClinVar aggregate classification (germline): Uncertain significance. Review status: criteria provided, multiple submitters, no conflicts (2 of 4 stars). 2 submissions from 2 submitters: Uncertain significance (2). Last evaluated 2023-11-08.

Conditions:
Glycosylphosphatidylinositol biosynthesis defect 15. Also called: DEVELOPMENTAL DELAY, EPILEPSY, CEREBELLAR ATROPHY, AND OSTEOPENIA. Identifiers: Orphanet 529665, MedGen C4540520, MONDO:0060627, OMIM 617810.

Allele frequency attached by ClinVar (database versions not stated): gnomAD 0.00001; TOPMed 0.00001; ExAC 0.00002; gnomAD exomes 0.00002.
gnomAD v4.1: 28 of 1,612,324 alleles (0.0017%); highest among the groups gnomAD compares: Non-Finnish European, 0.0023%; no homozygotes.

Submissions (2):

Pittsburgh Clinical Genomics Laboratory, University of Pittsburgh Medical Center
Classification: Uncertain significance for Glycosylphosphatidylinositol biosynthesis defect 15. Last evaluated: 2023-11-08. Review status: criteria provided, single submitter. Criteria: ACMG Guidelines, 2015. Collection method: clinical testing. Allele origin: germline. Inheritance: Autosomal recessive inheritance. Affected: yes.
Comment: This sequence variant is a single nucleotide substitution (G>A) at position 1771 of the coding sequence of the GPAA1 gene that results in a glutamic acid to lysine amino acid change at residue 591 of the glycosylphosphatidylinositol anchor attachment 1 protein. This variant is absent from ClinVar and has not been observed in an individual affected by a GPAA1-related disorder in the published literature, to our knowledge. This variant is present in 27 of 1,612,324 alleles (0.002%) in the gnomAD v4 population dataset. Multiple bioinformatic tools predict that this Glu to Lys amino acid change would be neutral, and the Glu591 residue at this position is highly conserved across the vertebrate species examined. Studies examining the functional consequence of this variant have not been published, to our knowledge. At this time, there is insufficient evidence to determine if this variant is pathogenic or benign. Therefore, we consider this a variant of uncertain significance. ACMG Criteria: PM2, PP3

Labcorp Genetics (formerly Invitae), Labcorp
Classification: Uncertain significance. Last evaluated: 2023-08-17. Review status: criteria provided, single submitter. Criteria: Invitae Variant Classification Sherloc (09022015). Collection method: clinical testing. Allele origin: germline.
Comment: In summary, the available evidence is currently insufficient to determine the role of this variant in disease. Therefore, it has been classified as a Variant of Uncertain Significance. Advanced modeling of protein sequence and biophysical properties (such as structural, functional, and spatial information, amino acid conservation, physicochemical variation, residue mobility, and thermodynamic stability) performed at Invitae indicates that this missense variant is not expected to disrupt GPAA1 protein function. This variant has not been reported in the literature in individuals affected with GPAA1-related conditions. This variant is present in population databases (rs782451651, gnomAD 0.003%). This sequence change replaces glutamic acid, which is acidic and polar, with lysine, which is basic and polar, at codon 591 of the GPAA1 protein (p.Glu591Lys).

NM_003801.4(GPAA1):c.1771G>A (p.Glu591Lys)

Gene: GPAA1 (glycosylphosphatidylinositol anchor attachment 1; plus strand). Cytogenetic location: 8q24.3.
Variant type: single nucleotide variant.
Coding change: c.1771G>A on transcript NM_003801.4 (MANE Select); coding-DNA position 1771, G replaced by A.
Protein change: p.Glu591Lys; replaces glutamic acid 591 with lysine.
Molecular consequence: missense variant.
Genome position (GRCh38, 1-based): chr8:144,086,030, G>A. VCF-style: chr8-144086030-G-A. GRCh37 (hg19) VCF-style: chr8-145140933-G-A.
Other names: short protein forms E591K.
Identifiers: ClinVar variation 2972790 (VCV002972790.3), dbSNP rs782451651, ClinGen allele CA4933253.
Genomic context (GRCh38, chr8:144,086,030, plus strand): 5'-CCACTGTCACTGGCCGAGGGCTGGCAGCTCTTCCTGGCAGCGCTAGCCCAGGGTGTGCTG[G>A]AGCACCACACCTACGGCGCCCTGCTCTTCCCACTGCTGTCCCTGGGCCTCTACCCCTGCT-3'
Protein context (NP_003792.1, residues 581-601): FLAALAQGVL[Glu591Lys]HHTYGALLFP